The following is an entry in ClinVar:

NM_001040108.2(MLH3):c.965A>G (p.Glu322Gly)

Gene: MLH3 (mutL homolog 3; minus strand). Cytogenetic location: 14q24.3.
Variant type: single nucleotide variant.
Coding change: c.965A>G on transcript NM_001040108.2 (MANE Select); coding-DNA position 965, A replaced by G.
Protein change: p.Glu322Gly; replaces glutamic acid 322 with glycine.
Molecular consequence: missense variant.
Genome position (GRCh38, 1-based): chr14:75,048,691, T>C on the plus strand (A>G on the coding strand, the complement: MLH3 is on the minus strand). VCF-style: chr14-75048691-T-C. GRCh37 (hg19) VCF-style: chr14-75515394-T-C.
Other names: c.965A>G, p.Glu322Gly (NM_014381.3); short protein forms E322G.
Identifiers: ClinVar variation 2050289 (VCV002050289.7), dbSNP rs761608125, ClinGen allele CA7275937.

ClinVar aggregate classification (germline): Uncertain significance. Review status: criteria provided, multiple submitters, no conflicts (2 of 4 stars). 2 submissions from 2 submitters: Uncertain significance (2). Last evaluated 2025-07-06.

Conditions:
Colorectal cancer, hereditary nonpolyposis, type 7. Identifiers: Orphanet 144, MedGen C1858380, MONDO:0013725, OMIM 614385.

Allele frequency attached by ClinVar (database versions not stated): ExAC 0.00001.

Submissions (2):

Ambry Genetics
Classification: Uncertain significance. Last evaluated: 2025-07-06. Review status: criteria provided, single submitter. Criteria: Ambry Variant Classification Scheme 2023. Collection method: clinical testing. Allele origin: germline.
Comment: The p.E322G variant (also known as c.965A>G), located in coding exon 1 of the MLH3 gene, results from an A to G substitution at nucleotide position 965. The glutamic acid at codon 322 is replaced by glycine, an amino acid with similar properties. This amino acid position is conserved. In addition, the in silico prediction for this alteration is inconclusive. Since supporting evidence is limited at this time, the clinical significance of this alteration remains unclear.

Labcorp Genetics (formerly Invitae), Labcorp
Classification: Uncertain significance for Colorectal cancer, hereditary nonpolyposis, type 7. Last evaluated: 2022-01-27. Review status: criteria provided, single submitter. Criteria: Invitae Variant Classification Sherloc (09022015). Collection method: clinical testing. Allele origin: germline.
Comment: In summary, the available evidence is currently insufficient to determine the role of this variant in disease. Therefore, it has been classified as a Variant of Uncertain Significance. Algorithms developed to predict the effect of missense changes on protein structure and function are either unavailable or do not agree on the potential impact of this missense change (SIFT: "Deleterious"; PolyPhen-2: "Possibly Damaging"; Align-GVGD: "Class C0"). This variant has not been reported in the literature in individuals affected with MLH3-related conditions. This variant is not present in population databases (gnomAD no frequency). This sequence change replaces glutamic acid, which is acidic and polar, with glycine, which is neutral and non-polar, at codon 322 of the MLH3 protein (p.Glu322Gly).